The following is an entry in ClinVar:

ClinVar aggregate classification (germline): Uncertain significance (1 of 4 stars; one submission).

Conditions:
Aortic valve disease 2 (AOVD2). Identifiers: MedGen C3542024, MONDO:0013902, OMIM 614823.

Allele frequency attached by ClinVar (database versions not stated): gnomAD exomes below 0.00001.

Submission:

Labcorp Genetics (formerly Invitae), Labcorp
Classification: Uncertain significance for Aortic valve disease 2. Last evaluated: 2021-06-27. Review status: criteria provided, single submitter. Criteria: Invitae Variant Classification Sherloc (09022015). Collection method: clinical testing. Allele origin: germline.
Comment: In summary, the available evidence is currently insufficient to determine the role of this variant in disease. Therefore, it has been classified as a Variant of Uncertain Significance. Algorithms developed to predict the effect of missense changes on protein structure and function (SIFT, PolyPhen-2, Align-GVGD) all suggest that this variant is likely to be disruptive, but these predictions have not been confirmed by published functional studies and their clinical significance is uncertain. This variant has not been reported in the literature in individuals with SMAD6-related conditions. This variant is not present in population databases (ExAC no frequency). This sequence change replaces valine with glutamic acid at codon 400 of the SMAD6 protein (p.Val400Glu). The valine residue is highly conserved and there is a moderate physicochemical difference between valine and glutamic acid.

NM_005585.5(SMAD6):c.1199T>A (p.Val400Glu)

Gene: SMAD6 (SMAD family member 6; plus strand). Cytogenetic location: 15q22.31.
Variant type: single nucleotide variant.
Coding change: c.1199T>A on transcript NM_005585.5 (MANE Select); coding-DNA position 1199, T replaced by A.
Protein change: p.Val400Glu; replaces valine 400 with glutamic acid.
Molecular consequence: missense variant. On other transcripts: non-coding transcript variant (1).
Genome position (GRCh38, 1-based): chr15:66,781,243, T>A. VCF-style: chr15-66781243-T-A. GRCh37 (hg19) VCF-style: chr15-67073581-T-A.
Other names: short protein forms V400E.
Identifiers: ClinVar variation 1446415 (VCV001446415.8), dbSNP rs2140681753, ClinGen allele CA393202069.
Genomic context (GRCh38, chr15:66,781,243, plus strand): 5'-TGCGGCGAACGCGCAGCAAGATCGGCTTCGGCATCCTGCTCAGCAAGGAGCCCGACGGCG[T>A]GTGGGCCTACAACCGCGGCGAGCACCCCATCTTCGTCAACTCCCCGACGCTGGACGCGCC-3'
Protein context (NP_005576.3, residues 390-410): GILLSKEPDG[Val400Glu]WAYNRGEHPI